The following is an entry in ClinVar:

ClinVar aggregate classification (germline): Uncertain significance. Review status: criteria provided, multiple submitters, no conflicts (2 of 4 stars). 2 submissions from 2 submitters: Uncertain significance (2). Last evaluated 2022-09-27.

Conditions:
Inborn genetic diseases. Identifiers: MedGen C0950123, MeSH D030342.

Allele frequency attached by ClinVar (database versions not stated): gnomAD exomes 0.00004 and 0.00008; ExAC 0.00006; TOPMed 0.00008; gnomAD 0.00009.
gnomAD v4.1: 77 of 1,613,870 alleles (0.0048%); highest among the groups gnomAD compares: African/African-American, 0.0013%; no homozygotes.

Submissions (2):

Ambry Genetics
Classification: Uncertain significance for Inborn genetic diseases. Last evaluated: 2022-09-27. Review status: criteria provided, single submitter. Criteria: Ambry Variant Classification Scheme 2023. Collection method: clinical testing. Allele origin: germline.

Labcorp Genetics (formerly Invitae), Labcorp
Classification: Uncertain significance. Last evaluated: 2022-09-13. Review status: criteria provided, single submitter. Criteria: Invitae Variant Classification Sherloc (09022015). Collection method: clinical testing. Allele origin: germline.
Comment: This sequence change replaces proline, which is neutral and non-polar, with serine, which is neutral and polar, at codon 11 of the C1QB protein (p.Pro11Ser). This variant is present in population databases (rs779270876, gnomAD 0.2%). This variant has not been reported in the literature in individuals affected with C1QB-related conditions. ClinVar contains an entry for this variant (Variation ID: 1493957). Algorithms developed to predict the effect of missense changes on protein structure and function output the following: SIFT: "Tolerated"; PolyPhen-2: "Benign"; Align-GVGD: "Class C0". The serine amino acid residue is found in multiple mammalian species, which suggests that this missense change does not adversely affect protein function. In summary, the available evidence is currently insufficient to determine the role of this variant in disease. Therefore, it has been classified as a Variant of Uncertain Significance.

NM_001378156.1(C1QB):c.25C>T (p.Pro9Ser)

Gene: C1QB (complement C1q B chain; plus strand). Cytogenetic location: 1p36.12.
Variant type: single nucleotide variant.
Coding change: c.25C>T on transcript NM_001378156.1 (MANE Select); coding-DNA position 25, C replaced by T.
Protein change: p.Pro9Ser; replaces proline 9 with serine.
Molecular consequence: missense variant.
Genome position (GRCh38, 1-based): chr1:22,659,487, C>T. VCF-style: chr1-22659487-C-T. GRCh37 (hg19) VCF-style: chr1-22985980-C-T.
Other names: c.31C>T, p.Pro11Ser (NM_000491.5); c.25C>T, p.Pro9Ser (NM_001371184.3); c.31C>T (NM_000491.3); short protein forms P9S, P11S.
Identifiers: ClinVar variation 1493957 (VCV001493957.6), dbSNP rs779270876, ClinGen allele CA678075.